The following is an entry in ClinVar:

ClinVar aggregate classification (germline): Conflicting classifications of pathogenicity. Review status: criteria provided, conflicting classifications (1 of 4 stars). 2 submissions from 2 submitters: Uncertain significance (1); Likely benign (1). Last evaluated 2025-06-13.

Conditions:
Cardiovascular phenotype. Identifiers: MedGen CN230736.
Myofibrillar myopathy 5. Also called: Filaminopathy (type); FILAMINOPATHY, AUTOSOMAL DOMINANT. Identifiers: Orphanet 171445, MedGen C1836050, MONDO:0012289, OMIM 609524.
Distal myopathy with posterior leg and anterior hand involvement. Also called: WILLIAMS DISTAL MYOPATHY. Identifiers: Orphanet 63273, MedGen C3279722, MONDO:0013550, OMIM 614065.
Hypertrophic cardiomyopathy 26. Also called: Cardiomyopathy, familial hypertrophic, 26. Identifiers: Orphanet 75249, MedGen C4310749, MONDO:0014883, OMIM 617047.

gnomAD v4.1: 1 of 1,605,086 alleles (0.000062%); no homozygotes.

Submissions (2):

Ambry Genetics
Classification: Likely benign for Cardiovascular phenotype. Last evaluated: 2025-06-13. Review status: criteria provided, single submitter. Criteria: Ambry Variant Classification Scheme 2023. Collection method: clinical testing. Allele origin: germline.

Labcorp Genetics (formerly Invitae), Labcorp
Classification: Uncertain significance for Distal myopathy with posterior leg and anterior hand involvement; Myofibrillar myopathy 5; Hypertrophic cardiomyopathy 26. Last evaluated: 2025-02-25. Review status: criteria provided, single submitter. Criteria: Invitae Variant Classification Sherloc (09022015). Collection method: clinical testing. Allele origin: germline.
Comment: This sequence change replaces leucine, which is neutral and non-polar, with phenylalanine, which is neutral and non-polar, at codon 1364 of the FLNC protein (p.Leu1364Phe). This variant is not present in population databases (gnomAD no frequency). This missense change has been observed in individual(s) with frontotemporal dementia (PMID: 26555887). ClinVar contains an entry for this variant (Variation ID: 1510145). Invitae Evidence Modeling of protein sequence and biophysical properties (such as structural, functional, and spatial information, amino acid conservation, physicochemical variation, residue mobility, and thermodynamic stability) has been performed for this missense variant. However, the output from this modeling did not meet the statistical confidence thresholds required to predict the impact of this variant on FLNC protein function. In summary, the available evidence is currently insufficient to determine the role of this variant in disease. Therefore, it has been classified as a Variant of Uncertain Significance.

Literature cited by the submitters: PubMed 37904629 (cited by Ambry Genetics); PubMed 38473809 (cited by Ambry Genetics); PubMed 26555887 (cited by Labcorp Genetics (formerly Invitae), Labcorp).

NM_001458.5(FLNC):c.4092G>T (p.Leu1364Phe)

Gene: FLNC (filamin C; plus strand). Cytogenetic location: 7q32.1.
Variant type: single nucleotide variant.
Coding change: c.4092G>T on transcript NM_001458.5 (MANE Select); coding-DNA position 4092, G replaced by T.
Protein change: p.Leu1364Phe; replaces leucine 1364 with phenylalanine.
Molecular consequence: missense variant.
Genome position (GRCh38, 1-based): chr7:128,846,428, G>T. VCF-style: chr7-128846428-G-T. GRCh37 (hg19) VCF-style: chr7-128486482-G-T.
Other names: c.4092G>T, p.Leu1364Phe (NM_001127487.2); c.4092G>T (NM_001458.4); short protein forms L1364F.
Identifiers: ClinVar variation 1510145 (VCV001510145.9), dbSNP rs768635501, ClinGen allele CA369199093.
Genomic context (GRCh38, chr7:128,846,428, plus strand): 5'-GACCGAGGGCTGTGATCCCACCCGCGTCCGAGCCTTCGGGCCAGGCCTGGAGGGTGGCTT[G>T]GTCAACAAGGCCAACCGATTCACTGTGGAGACCAGGTATCCTCCCCCTTTGCTAGCCTAA-3'
Protein context (NP_001449.3, residues 1354-1374): RAFGPGLEGG[Leu1364Phe]VNKANRFTVE